The following is an entry in ClinVar:

ClinVar aggregate classification (germline): Uncertain significance. Review status: criteria provided, multiple submitters, no conflicts (2 of 4 stars). 2 submissions from 2 submitters: Uncertain significance (2). Last evaluated 2023-07-31.

Conditions:
Inborn genetic diseases. Identifiers: MedGen C0950123, MeSH D030342.

Allele frequency attached by ClinVar (database versions not stated): gnomAD exomes below 0.00001.
gnomAD v4.1: 3 of 1,613,682 alleles (0.00019%); highest among the groups gnomAD compares: Non-Finnish European, 0.00025%; no homozygotes.

Submissions (2):

Labcorp Genetics (formerly Invitae), Labcorp
Classification: Uncertain significance. Last evaluated: 2023-07-31. Review status: criteria provided, single submitter. Criteria: Invitae Variant Classification Sherloc (09022015). Collection method: clinical testing. Allele origin: germline.
Comment: In summary, the available evidence is currently insufficient to determine the role of this variant in disease. Therefore, it has been classified as a Variant of Uncertain Significance. Advanced modeling of protein sequence and biophysical properties (such as structural, functional, and spatial information, amino acid conservation, physicochemical variation, residue mobility, and thermodynamic stability) performed at Invitae indicates that this missense variant is not expected to disrupt PPP3CA protein function. ClinVar contains an entry for this variant (Variation ID: 1376140). This variant has not been reported in the literature in individuals affected with PPP3CA-related conditions. This variant is not present in population databases (gnomAD no frequency). This sequence change replaces alanine, which is neutral and non-polar, with valine, which is neutral and non-polar, at codon 83 of the PPP3CA protein (p.Ala83Val).

Ambry Genetics
Classification: Uncertain significance for Inborn genetic diseases. Last evaluated: 2021-12-08. Review status: criteria provided, single submitter. Criteria: Ambry Variant Classification Scheme 2023. Collection method: clinical testing. Allele origin: germline.

NM_000944.5(PPP3CA):c.248C>T (p.Ala83Val)

Gene: PPP3CA (protein phosphatase 3 catalytic subunit alpha; minus strand). Cytogenetic location: 4q24.
Variant type: single nucleotide variant.
Coding change: c.248C>T on transcript NM_000944.5 (MANE Select); coding-DNA position 248, C replaced by T.
Protein change: p.Ala83Val; replaces alanine 83 with valine.
Molecular consequence: missense variant.
Genome position (GRCh38, 1-based): chr4:101,195,927, G>A on the plus strand (C>T on the coding strand, the complement: PPP3CA is on the minus strand). VCF-style: chr4-101195927-G-A. GRCh37 (hg19) VCF-style: chr4-102117084-G-A.
Other names: c.248C>T, p.Ala83Val (NM_001130691.2, NM_001130692.2); c.248C>T (NM_000944.4); short protein forms A83V.
Identifiers: ClinVar variation 1376140 (VCV001376140.7), dbSNP rs1328427827, ClinGen allele CA357950733.